The following is an entry in ClinVar:

ClinVar aggregate classification (germline): Pathogenic (1 of 4 stars; one submission).

Submission:

Labcorp Genetics (formerly Invitae), Labcorp
Classification: Pathogenic. Last evaluated: 2023-09-05. Review status: criteria provided, single submitter. Criteria: Invitae Variant Classification Sherloc (09022015). Collection method: clinical testing. Allele origin: germline.
Comment: This sequence change creates a premature translational stop signal (p.Tyr208*) in the SLC25A3 gene. It is expected to result in an absent or disrupted protein product. Loss-of-function variants in SLC25A3 are known to be pathogenic (PMID: 17273968, 21763135). This variant is present in population databases (no rsID available, gnomAD 0.009%). This variant has not been reported in the literature in individuals affected with SLC25A3-related conditions. For these reasons, this variant has been classified as Pathogenic.

Literature cited by the submitters: PubMed 17273968; PubMed 21763135.

NM_002635.4(SLC25A3):c.621_622del (p.Tyr207_Lys208delinsTer)

Gene: SLC25A3 (solute carrier family 25 member 3; plus strand). Cytogenetic location: 12q23.1.
Variant type: Microsatellite.
Coding change: c.621_622del on transcript NM_002635.4 (MANE Select); coding-DNA positions 621 to 622, 2 bases deleted (TA; older notation c.621_622delTA).
Protein change: p.Tyr207_Lys208delinsTer.
Molecular consequence: nonsense.
Genome position (GRCh38, 1-based): chr12:98,598,683-98,598,684, TA deleted; deleting any 2 consecutive bases within chr12:98,598,681-98,598,684 gives the same sequence; the c. name uses the placement nearest the transcript's 3' end. VCF-style (leftmost placement, unchanged base first): chr12-98598680-GTA-G. GRCh37 (hg19) VCF-style: chr12-98992458-GTA-G.
Other names: c.624_625del, p.Tyr208_Lys209delinsTer (NM_005888.4); c.621_622del, p.Tyr207_Lys208delinsTer (NM_213611.3).
Identifiers: ClinVar variation 2718297 (VCV002718297.3), dbSNP rs996812877, ClinGen allele CA242239137.